The following is an entry in ClinVar:

NM_001082486.2(ACD):c.998C>A (p.Ala333Asp)

Gene: ACD (ACD shelterin complex subunit and telomerase recruitment factor; minus strand). Cytogenetic location: 16q22.1.
Variant type: single nucleotide variant.
Coding change: c.998C>A on transcript NM_001082486.2 (MANE Select); coding-DNA position 998, C replaced by A.
Protein change: p.Ala333Asp; replaces alanine 333 with aspartic acid.
Molecular consequence: missense variant.
Genome position (GRCh38, 1-based): chr16:67,658,194, G>T on the plus strand (C>A on the coding strand, the complement: ACD is on the minus strand). VCF-style: chr16-67658194-G-T. GRCh37 (hg19) VCF-style: chr16-67692097-G-T.
Other names: c.989C>A, p.Ala330Asp (NM_022914.3); short protein forms A333D, A330D.
Identifiers: ClinVar variation 1523393 (VCV001523393.10), dbSNP rs973439601, ClinGen allele CA283217263.

ClinVar aggregate classification (germline): Uncertain significance. Review status: criteria provided, multiple submitters, no conflicts (2 of 4 stars). 2 submissions from 2 submitters: Uncertain significance (2). Last evaluated 2022-08-16.

Conditions:
Dyskeratosis congenita, autosomal dominant 6 (DKCA6). Identifiers: Orphanet 3322, MedGen C4225284, MONDO:0014690, OMIM 616553.
Inborn genetic diseases. Identifiers: MedGen C0950123, MeSH D030342.

Allele frequency attached by ClinVar (database versions not stated): TOPMed below 0.00001.

Submissions (2):

Labcorp Genetics (formerly Invitae), Labcorp
Classification: Uncertain significance for Dyskeratosis congenita, autosomal dominant 6. Last evaluated: 2022-08-16. Review status: criteria provided, single submitter. Criteria: Invitae Variant Classification Sherloc (09022015). Collection method: clinical testing. Allele origin: germline.
Comment: In summary, the available evidence is currently insufficient to determine the role of this variant in disease. Therefore, it has been classified as a Variant of Uncertain Significance. ClinVar contains an entry for this variant (Variation ID: 1523393). Algorithms developed to predict the effect of missense changes on protein structure and function are either unavailable or do not agree on the potential impact of this missense change (SIFT: "Deleterious"; PolyPhen-2: "Benign"; Align-GVGD: "Class C0"). This variant has not been reported in the literature in individuals affected with ACD-related conditions. This variant is not present in population databases (gnomAD no frequency). This sequence change replaces alanine, which is neutral and non-polar, with aspartic acid, which is acidic and polar, at codon 419 of the ACD protein (p.Ala419Asp).

Ambry Genetics
Classification: Uncertain significance for Inborn genetic diseases. Last evaluated: 2021-12-06. Review status: criteria provided, single submitter. Criteria: Ambry Variant Classification Scheme 2023. Collection method: clinical testing. Allele origin: germline.
Comment: The p.A419D variant (also known as c.1256C>A), located in coding exon 10 of the ACD gene, results from a C to A substitution at nucleotide position 1256. The alanine at codon 419 is replaced by aspartic acid, an amino acid with dissimilar properties. This amino acid position is conserved. In addition, this alteration is predicted to be tolerated by in silico analysis. Since supporting evidence is limited at this time, the clinical significance of this alteration remains unclear.